The following is an entry in ClinVar:

ClinVar aggregate classification (germline): Uncertain significance (1 of 4 stars; one submission).

Conditions:
Mosaic variegated aneuploidy syndrome 1 (MVA1). Also called: Warburton-Anyane-Yeboa syndrome. Identifiers: Orphanet 1052, MedGen C1850343, MONDO:0009759, OMIM 257300.

Allele frequency attached by ClinVar (database versions not stated): gnomAD exomes below 0.00001 and 0.00001; ExAC 0.00001; TOPMed 0.00001.
gnomAD v4.1: 10 of 1,613,634 alleles (0.00062%); highest among the groups gnomAD compares: Non-Finnish European, 0.00085%; no homozygotes.

Submission:

Labcorp Genetics (formerly Invitae), Labcorp
Classification: Uncertain significance for Mosaic variegated aneuploidy syndrome 1. Last evaluated: 2025-09-27. Review status: criteria provided, single submitter. Criteria: Invitae Variant Classification Sherloc (09022015). Collection method: clinical testing. Allele origin: germline.
Comment: This sequence change falls in intron 19 of the BUB1B gene. It does not directly change the encoded amino acid sequence of the BUB1B protein. This variant is present in population databases (rs750936919, gnomAD 0.0009%). This variant has not been reported in the literature in individuals affected with BUB1B-related conditions. ClinVar contains an entry for this variant (Variation ID: 942689). Algorithms developed to predict the effect of sequence changes on RNA splicing suggest that this variant may disrupt the consensus splice site. In summary, the available evidence is currently insufficient to determine the role of this variant in disease. Therefore, it has been classified as a Variant of Uncertain Significance.

NM_001211.6(BUB1B):c.2536-8A>G

Gene: BUB1B (BUB1 mitotic checkpoint serine/threonine kinase B; plus strand). Cytogenetic location: 15q15.1.
Variant type: single nucleotide variant.
Coding change: c.2536-8A>G on transcript NM_001211.6 (MANE Select); 8 bases into the intron before coding-DNA position 2536, A replaced by G.
Molecular consequence: intron variant.
Genome position (GRCh38, 1-based): chr15:40,213,324, A>G. VCF-style: chr15-40213324-A-G. GRCh37 (hg19) VCF-style: chr15-40505525-A-G.
Identifiers: ClinVar variation 942689 (VCV000942689.9), dbSNP rs750936919, ClinGen allele CA7476078.